The following is an entry in ClinVar:

ClinVar aggregate classification (germline): Uncertain significance (1 of 4 stars; one submission).

Conditions:
NRP1-related disorder. Also called: NRP1-related condition.

gnomAD v4.1: 63 of 1,613,994 alleles (0.0039%); highest among the groups gnomAD compares: Middle Eastern, 0.016%; no homozygotes.

Submission:

PreventionGenetics, part of Exact Sciences
Classification: Uncertain significance for NRP1-related condition. Last evaluated: 2024-11-21. Review status: criteria provided, single submitter. Criteria: ACMG Guidelines, 2015. Collection method: clinical testing. Allele origin: germline.
Comment: The NRP1 c.672T>G variant is predicted to result in the amino acid substitution p.Ile224Met. To our knowledge, this variant has not been reported in the literature. This variant is reported in 0.014% of alleles in individuals of European (Non-Finnish) descent in gnomAD. At this time, the clinical significance of this variant is uncertain due to the absence of conclusive functional and genetic evidence.

NM_003873.7(NRP1):c.672T>G (p.Ile224Met)

Gene: NRP1 (neuropilin 1; minus strand). Cytogenetic location: 10p11.22.
Variant type: single nucleotide variant.
Coding change: c.672T>G on transcript NM_003873.7 (MANE Select); coding-DNA position 672, T replaced by G.
Protein change: p.Ile224Met; replaces isoleucine 224 with methionine.
Molecular consequence: missense variant. On other transcripts: non-coding transcript variant (1).
Genome position (GRCh38, 1-based): chr10:33,256,458, A>C on the plus strand (T>G on the coding strand, the complement: NRP1 is on the minus strand). VCF-style: chr10-33256458-A-C. GRCh37 (hg19) VCF-style: chr10-33545386-A-C.
Other names: c.672T>G, p.Ile224Met (NM_001024628.3, NM_001024629.3, NM_001244972.2 and 2 more transcripts); short protein forms I224M.
Identifiers: ClinVar variation 4986850 (VCV004986850.1).
Genomic context (GRCh38, chr10:33,256,458, plus strand): 5'-GGAGAGAATGCCCGATGAGGATCGGATTCGACCTGGTGTTTTCTGTCCACAGTAACGCCC[A>C]ATGTGAGGGCCAACTGGAAAGGGAGGAATACAGACGATGTCAAAATGTCTTTTCTCCTGC-3'
Protein context (NP_003864.5, residues 214-234): WDGFPDVGPH[Ile224Met]GRYCGQKTPG